The following is an entry in ClinVar:

ClinVar aggregate classification (germline): Pathogenic (1 of 4 stars; one submission).

Conditions:
X-linked Alport syndrome (ATS1). Also called: NEPHROPATHY AND DEAFNESS, X-LINKED; COL4A5-Related Nephropathy. Identifiers: Orphanet 63, Orphanet 88917, MedGen C4746986, MONDO:0010520, OMIM 301050.

Submission:

Myriad Genetics, Inc.
Classification: Pathogenic for X-linked Alport syndrome. Last evaluated: 2023-09-15. Review status: criteria provided, single submitter. Criteria: Myriad Autosomal Dominant, Autosomal Recessive and X-Linked Classification Criteria (2023). Collection method: clinical testing. Allele origin: unknown.
Comment: NM_000495.4(COL4A5):c.2410del1ins9(N804Lfs*18) is expected to be pathogenic in the context of X-linked Alport syndrome. This variant is predicted to lead to an abnormal or absent protein product due to the creation of a premature termination codon in COL4A5, a gene where loss-of-function variants are known to be pathogenic. Please note: this variant was assessed in the context of healthy population screening.

NM_033380.3(COL4A5):c.2410delinsCTGTCTCTT (p.Asn804fs)

Gene: COL4A5 (collagen type IV alpha 5 chain; plus strand). Cytogenetic location: Xq22.3.
Variant type: Indel.
Coding change: c.2410delinsCTGTCTCTT on transcript NM_033380.3 (MANE Select); coding-DNA position 2410, A replaced by CTGTCTCTT.
Protein change: p.Asn804fs; shifts the reading frame from asparagine 804.
Molecular consequence: frameshift variant.
Genome position (GRCh38, 1-based): chrX:108,614,925, A replaced by CTGTCTCTT. VCF-style: chrX-108614925-A-CTGTCTCTT. GRCh37 (hg19) VCF-style: chrX-107858155-A-CTGTCTCTT.
Other names: c.2410delinsCTGTCTCTT, p.Asn804fs (NM_000495.5); short protein forms N804fs.
Identifiers: ClinVar variation 5011672 (VCV005011672.1).
Genomic context (GRCh38, chrX:108,614,925, plus strand): 5'-ACTCAGGTGTTGCTTTTAATATTTAAACTGTATTTATTTCTTAAAGGTGATGTTGGACCA[A>CTGTCTCTT]ATGGACAACCTGGACCAATGGGACCTCCTGGGCTGCCAGGAATAGGTGTTCAGGGACCAC-3'